The following is an entry in ClinVar:

NM_206933.4(USH2A):c.6164-3C>T

Gene: USH2A (usherin; minus strand). Cytogenetic location: 1q41.
Variant type: single nucleotide variant.
Coding change: c.6164-3C>T on transcript NM_206933.4 (MANE Select); 3 bases into the intron before coding-DNA position 6164, C replaced by T.
Molecular consequence: intron variant.
Genome position (GRCh38, 1-based): chr1:216,046,595, G>A on the plus strand (C>T on the coding strand, the complement: USH2A is on the minus strand). VCF-style: chr1-216046595-G-A. GRCh37 (hg19) VCF-style: chr1-216219937-G-A.
Identifiers: ClinVar variation 4754104 (VCV004754104.1).
Genomic context (GRCh38, chr1:216,046,595, plus strand): 5'-GAGAGCAGCAAAGAACTGGGAAGGGATTTGGCTACTGGTGGCTGAACCTCTTGTGGGGCT[G>A]TGGAAGAAAAGATTTATAGAGTCTAATTTTAGTTTACTTTTCTAATTCAAACTTTTCAGA-3'

ClinVar aggregate classification (germline): Uncertain significance (1 of 4 stars; one submission).

gnomAD v4.1: 12 of 1,613,602 alleles (0.00074%); highest among the groups gnomAD compares: East Asian, 0.0022%; no homozygotes.

Submission:

Labcorp Genetics (formerly Invitae), Labcorp
Classification: Uncertain significance. Last evaluated: 2025-03-17. Review status: criteria provided, single submitter. Criteria: Invitae Variant Classification Sherloc (09022015). Collection method: clinical testing. Allele origin: germline.
Comment: This sequence change falls in intron 31 of the USH2A gene. It does not directly change the encoded amino acid sequence of the USH2A protein. It affects a nucleotide within the consensus splice site. This variant is not present in population databases (gnomAD no frequency). This variant has not been reported in the literature in individuals affected with USH2A-related conditions. Variants that disrupt the consensus splice site are a relatively common cause of aberrant splicing (PMID: 17576681, 9536098). Algorithms developed to predict the effect of sequence changes on RNA splicing suggest that this variant is not likely to affect RNA splicing. In summary, the available evidence is currently insufficient to determine the role of this variant in disease. Therefore, it has been classified as a Variant of Uncertain Significance.

Literature cited by the submitters: PubMed 17576681; PubMed 9536098.